The following is an entry in ClinVar:

NM_005751.5(AKAP9):c.5528T>C (p.Met1843Thr)

Gene: AKAP9 (A-kinase anchoring protein 9; plus strand). Cytogenetic location: 7q21.2.
Variant type: single nucleotide variant.
Coding change: c.5528T>C on transcript NM_005751.5 (MANE Select); coding-DNA position 5528, T replaced by C.
Protein change: p.Met1843Thr; replaces methionine 1843 with threonine.
Molecular consequence: missense variant.
Genome position (GRCh38, 1-based): chr7:92,052,885, T>C. VCF-style: chr7-92052885-T-C. GRCh37 (hg19) VCF-style: chr7-91682199-T-C.
Other names: c.5528T>C, p.Met1843Thr (NM_147185.3); short protein forms M1843T.
Identifiers: ClinVar variation 457112 (VCV000457112.13), dbSNP rs538621911, ClinGen allele CA368131269.
Genomic context (GRCh38, chr7:92,052,885, plus strand): 5'-AACGACTTGTGAGGAGTGGTTTTGCTGGAACTGAAATAGACCCTGAAAATGAAGAACTTA[T>C]GCTGAACATTAGCTCTCGACTACAAGCAGCAGTTGAAAAACTCCTAGAAGCCATAAGTGA-3'
Protein context (NP_005742.4, residues 1833-1853): TEIDPENEEL[Met1843Thr]LNISSRLQAA

ClinVar aggregate classification (germline): Conflicting classifications of pathogenicity. Review status: criteria provided, conflicting classifications (1 of 4 stars). 2 submissions from 2 submitters: Uncertain significance (1); Likely benign (1). Last evaluated 2025-11-23.

Conditions:
Cardiovascular phenotype. Identifiers: MedGen CN230736.
Long QT syndrome (LQTS). Identifiers: MedGen C0023976, MeSH D008133, MONDO:0002442. Disease mechanism: loss of function. Inheritance: Various modes of inheritance.

Submissions (2):

Labcorp Genetics (formerly Invitae), Labcorp
Classification: Uncertain significance for Long QT syndrome. Last evaluated: 2025-11-23. Review status: criteria provided, single submitter. Criteria: Invitae Variant Classification Sherloc (09022015). Collection method: clinical testing. Allele origin: germline.
Comment: This sequence change replaces methionine, which is neutral and non-polar, with threonine, which is neutral and polar, at codon 1843 of the AKAP9 protein (p.Met1843Thr). This variant is present in population databases (no rsID available, gnomAD 0.003%). This variant has not been reported in the literature in individuals affected with AKAP9-related conditions. ClinVar contains an entry for this variant (Variation ID: 457112). An algorithm developed to predict the effect of missense changes on protein structure and function (PolyPhen-2) suggests that this variant is likely to be tolerated. In summary, the available evidence is currently insufficient to determine the role of this variant in disease. Therefore, it has been classified as a Variant of Uncertain Significance.

Ambry Genetics
Classification: Likely benign for Cardiovascular phenotype. Last evaluated: 2025-10-28. Review status: criteria provided, single submitter. Criteria: Ambry Variant Classification Scheme 2023. Collection method: clinical testing. Allele origin: germline.